The following is an entry in ClinVar:

ClinVar aggregate classification (germline): Conflicting classifications of pathogenicity. Review status: criteria provided, conflicting classifications (1 of 4 stars). 2 submissions from 2 submitters: Uncertain significance (1); Likely benign (1). Last evaluated 2025-06-11.

Conditions:
Dyskeratosis congenita, autosomal dominant 2. Identifiers: MedGen C3151443, MONDO:0013521, OMIM 613989.
Idiopathic Pulmonary Fibrosis. Also called: Idiopathic fibrosing alveolitis, chronic form; idiopathic fibrosing alveolitis. Identifiers: Orphanet 2032, MedGen C1800706, MeSH D054990, MONDO:0800504.
Dyskeratosis congenita. Identifiers: Orphanet 1775, MedGen C0265965, MONDO:0015780.

Allele frequency attached by ClinVar (database versions not stated): gnomAD 0.00001; gnomAD exomes 0.00001; TOPMed 0.00003.
gnomAD v4.1: 5 of 1,575,906 alleles (0.00032%); highest among the groups gnomAD compares: Admixed American, 0.009%; no homozygotes.

Submissions (2):

Labcorp Genetics (formerly Invitae), Labcorp
Classification: Likely benign for Dyskeratosis congenita, autosomal dominant 2; Idiopathic Pulmonary Fibrosis. Last evaluated: 2025-06-11. Review status: criteria provided, single submitter. Criteria: Invitae Variant Classification Sherloc (09022015). Collection method: clinical testing. Allele origin: germline.

Ambry Genetics
Classification: Uncertain significance for Dyskeratosis congenita. Last evaluated: 2025-03-18. Review status: criteria provided, single submitter. Criteria: Ambry Variant Classification Scheme 2023. Collection method: clinical testing. Allele origin: germline.
Comment: The p.S298T variant (also known as c.892T>A), located in coding exon 2 of the TERT gene, results from a T to A substitution at nucleotide position 892. The serine at codon 298 is replaced by threonine, an amino acid with similar properties. This amino acid position is poorly conserved in available vertebrate species. In addition, this alteration is predicted to be tolerated by in silico analysis. Based on the available evidence, the clinical significance of this variant remains unclear.

NM_198253.3(TERT):c.892T>A (p.Ser298Thr)

Gene: TERT (telomerase reverse transcriptase; minus strand). Cytogenetic location: 5p15.33.
Variant type: single nucleotide variant.
Coding change: c.892T>A on transcript NM_198253.3 (MANE Select); coding-DNA position 892, T replaced by A.
Protein change: p.Ser298Thr; replaces serine 298 with threonine.
Molecular consequence: missense variant. On other transcripts: non-coding transcript variant (2).
Genome position (GRCh38, 1-based): chr5:1,293,994, A>T on the plus strand (T>A on the coding strand, the complement: TERT is on the minus strand). VCF-style: chr5-1293994-A-T. GRCh37 (hg19) VCF-style: chr5-1294109-A-T.
Other names: c.892T>A, p.Ser298Thr (NM_001193376.3); short protein forms S298T.
Identifiers: ClinVar variation 539200 (VCV000539200.14), dbSNP rs1334806555, ClinGen allele CA359056279.